The following is an entry in ClinVar:

ClinVar aggregate classification (germline): Benign/Likely benign. Review status: criteria provided, multiple submitters, no conflicts (2 of 4 stars). 3 submissions from 3 submitters: Benign (1); Likely benign (2). Last evaluated 2025-12-16.

Conditions:
Pitt-Hopkins syndrome (PTHS). Also called: MENTAL RETARDATION, SYNDROMAL, WITH INTERMITTENT HYPERVENTILATION; ENCEPHALOPATHY, SEVERE EPILEPTIC, WITH AUTONOMIC DYSFUNCTION. Identifiers: Orphanet 2896, MedGen C1970431, MONDO:0012589, OMIM 610954.
Corneal dystrophy, Fuchs endothelial, 3 (FECD3). Also called: FCD2 LOCUS. Identifiers: Orphanet 98974, MedGen C2750451, MONDO:0013203, OMIM 613267.

Allele frequency attached by ClinVar (database versions not stated): gnomAD exomes 0.00004 and 0.00016; ExAC 0.00010; gnomAD 0.00010 and 0.00011; TOPMed 0.00013; 1000 Genomes Project 30x 0.00016; 1000 Genomes Project 0.00020.
gnomAD v4.1: 76 of 1,613,802 alleles (0.0047%); highest among the groups gnomAD compares: East Asian, 0.16%; no homozygotes.

Submissions (4):

Labcorp Genetics (formerly Invitae), Labcorp
Classification: Benign for Pitt-Hopkins syndrome. Last evaluated: 2025-12-16. Review status: criteria provided, single submitter. Criteria: Invitae Variant Classification Sherloc (09022015). Collection method: clinical testing. Allele origin: germline.

Fulgent Genetics
Classification: Likely benign for Pitt-Hopkins syndrome; Corneal dystrophy, Fuchs endothelial, 3. Last evaluated: 2022-02-25. Review status: criteria provided, single submitter. Criteria: ACMG Guidelines, 2015. Collection method: clinical testing. Allele origin: unknown.

GeneDx
Classification: Likely benign. Last evaluated: 2015-11-02. Review status: criteria provided, single submitter. Criteria: GeneDx Variant Classification (06012015). Collection method: clinical testing. Allele origin: germline. Affected: yes.
Comment: This variant is considered likely benign or benign based on one or more of the following criteria: it is a conservative change, it occurs at a poorly conserved position in the protein, it is predicted to be benign by multiple in silico algorithms, and/or has population frequency not consistent with disease.

Dr. Peter K. Rogan Lab, Western University
No classification provided (evidence only). Condition: Malignant tumor of esophagus. Review status: no classification provided. Collection method: in vitro. Allele origin: not applicable. Functional consequence: retained intron. Not counted in ClinVar's aggregate classification.

NM_001083962.2(TCF4):c.923-17G>T

Gene: TCF4 (transcription factor 4; minus strand). Cytogenetic location: 18q21.2.
Variant type: single nucleotide variant.
Coding change: c.923-17G>T on transcript NM_001083962.2 (MANE Select); 17 bases into the intron before coding-DNA position 923, G replaced by T.
Molecular consequence: intron variant.
Genome position (GRCh38, 1-based): chr18:55,261,550, C>A on the plus strand (G>T on the coding strand, the complement: TCF4 is on the minus strand). VCF-style: chr18-55261550-C-A. GRCh37 (hg19) VCF-style: chr18-52928781-C-A.
Other names: c.1229-17G>T (NM_001243226.3); c.848-17G>T (NM_001369584.1, NM_001369576.1, NM_001369585.1 and 3 more transcripts); c.851-17G>T (NM_001369577.1, NM_001369582.1, NM_001243227.2 and 9 more transcripts); c.923-17G>T (NM_001369571.1, NM_001369567.1, NM_001369572.1 and 4 more transcripts); c.941-17G>T (NM_001243228.2); c.917-17G>T (NM_001243230.2); c.920-17G>T (NM_001369569.1, NM_001369573.1, NM_001369570.1); c.797-17G>T (NM_001243231.2, NM_001348211.2); and 4 more.
Identifiers: ClinVar variation 381239 (VCV000381239.8), dbSNP rs550597992, ClinGen allele CA8970348.